The following is an entry in ClinVar:

NM_000551.4(VHL):c.340+693del

Genes: VHL (von Hippel-Lindau tumor suppressor; plus strand), LOC107303340 (3p25 von Hippel-Lindau tumor suppressor, E3 ubiquitin protein ligase Alu-mediated recombination region; plus strand). Cytogenetic location: 3p25.3.
Variant type: Deletion.
Coding change: c.340+693del on transcript NM_000551.4 (MANE Select); 693 bases into the intron after coding-DNA position 340, one base deleted (G; older notation c.340+693delG).
Molecular consequence: intron variant. On other transcripts: frameshift variant (1).
Genome position (GRCh38, 1-based): chr3:10,142,880, G deleted; the last of 2 consecutive G bases (chr3:10,142,879-10,142,880); deleting either gives the same sequence. VCF-style (leftmost placement, unchanged base first): chr3-10142878-CG-C. GRCh37 (hg19) VCF-style: chr3-10184562-CG-C.
Other names: c.458del, p.Gly153fs (NM_001354723.2); c.340+693del (NM_198156.3); short protein forms G153fs.
Identifiers: ClinVar variation 2025394 (VCV002025394.4), dbSNP rs2470160075, ClinGen allele CA2580068438.
Genomic context (GRCh38, chr3:10,142,878, plus strand): 5'-ATTCCTCCTGGGGAGACTGACAGATGCAAAGACAGGAACAAGCCAGGGTCATGTTGGCGC[CG>C]GAAGAGCCGACCGTGTGTGGCGTGGGAAATTGACTTACCTGCCTGCTGGGAGATGGAGGG-3'

ClinVar aggregate classification (germline): Uncertain significance (1 of 4 stars; one submission).

Conditions:
Chuvash polycythemia. Also called: POLYCYTHEMIA, VHL-DEPENDENT. Identifiers: Orphanet 238557, MedGen C1837915, MONDO:0009892, OMIM 263400.
Von Hippel-Lindau syndrome (VHLS). Also called: Von Hippel-Lindau; von Hippel–Lindau syndrome; VHL syndrome. Identifiers: Orphanet 892, MedGen C0019562, MONDO:0008667, OMIM 193300. Disease mechanism: loss of function.

Submission:

Labcorp Genetics (formerly Invitae), Labcorp
Classification: Uncertain significance for Von Hippel-Lindau syndrome; Chuvash polycythemia. Last evaluated: 2026-01-31. Review status: criteria provided, single submitter. Criteria: Invitae Variant Classification Sherloc (09022015). Collection method: clinical testing. Allele origin: germline.
Comment: This sequence change falls in intron 1 of the VHL gene. It is not expected to change the encoded amino acid sequence of the VHL protein. However, this sequence change falls within a cryptic exon in the VHL gene, known as exon E1’, which is naturally expressed at low levels in several human tissues (PMID: 29891534). This variant is not present in population databases (gnomAD no frequency). This variant has not been reported in the literature in individuals affected with VHL-related conditions. ClinVar contains an entry for this variant (Variation ID: 2025394). Algorithms developed to predict the effect of sequence changes on RNA splicing suggest that this variant is not likely to affect RNA splicing. In summary, the available evidence is currently insufficient to determine the role of this variant in disease. Therefore, it has been classified as a Variant of Uncertain Significance.

Literature cited by the submitters: PubMed 29891534.